The following is an entry in ClinVar:

ClinVar aggregate classification (germline): Uncertain significance (1 of 4 stars; one submission).

Conditions:
Hereditary cancer-predisposing syndrome. Also called: Tumor predisposition; Neoplastic Syndromes, Hereditary; Hereditary Cancer Syndrome; Hereditary neoplastic syndrome. Identifiers: Orphanet 140162, MedGen C0027672, MeSH D009386, MONDO:0015356.

Submission:

Ambry Genetics
Classification: Uncertain significance for Hereditary cancer-predisposing syndrome. Last evaluated: 2024-11-04. Review status: criteria provided, single submitter. Criteria: Ambry Variant Classification Scheme 2023. Collection method: clinical testing. Allele origin: germline.
Comment: The c.1195_1206del12 variant (also known as p.N399_V402del) is located in coding exon 9 of the BMPR1A gene. This variant results from an in-frame AATACCAGGGTG deletion at nucleotide positions 1195 to 1206. This results in the in-frame deletion of amino acids at codons 399 to 402. This amino acid region is well conserved in available vertebrate species. In addition, this alteration is predicted to be deleterious by in silico analysis (Choi Y et al. PLoS ONE. 2012; 7(10):e46688). Based on the available evidence, the clinical significance of this variant remains unclear.

NM_004329.3(BMPR1A):c.1195_1206del (p.Asn399_Val402del)

Gene: BMPR1A (bone morphogenetic protein receptor type 1A; plus strand). Cytogenetic location: 10q23.2.
Variant type: Deletion.
Coding change: c.1195_1206del on transcript NM_004329.3 (MANE Select); coding-DNA positions 1195 to 1206, 12 bases deleted (AATACCAGGGTG).
Protein change: p.Asn399_Val402del.
Molecular consequence: non-coding transcript variant (on NR_176211.1). On other transcripts: inframe indel (1).
Genome position (GRCh38, 1-based): chr10:86,921,548-86,921,559, AATACCAGGGTG deleted; deleting any 12 consecutive bases within chr10:86,921,546-86,921,559 gives the same sequence; the c. name uses the placement nearest the transcript's 3' end. VCF-style (leftmost placement, unchanged base first): chr10-86921545-TTGAATACCAGGG-T. GRCh37 (hg19) VCF-style: chr10-88681302-TTGAATACCAGGG-T.
Other names: c.1111_1122del, p.Asn371_Val374del (NM_001406588.1, NM_001406584.1, NM_001406585.1 and 2 more transcripts); c.853_864del, p.Asn285_Val288del (NM_001406589.1); c.1270_1281del, p.Asn424_Val427del (NM_001406559.1); c.1243_1254del, p.Asn415_Val418del (NM_001406560.1); c.1195_1206del, p.Asn399_Val402del (NM_001406561.1, NM_001406562.1, NM_001406563.1 and 19 more transcripts); c.1189_1200del, p.Asn397_Val400del (NM_001406583.1); c.1195_1206del12 (NM_004329.2).
Identifiers: ClinVar variation 3481236 (VCV003481236.1).
Genomic context (GRCh38, chr10:86,921,545, plus strand): 5'-CCCTCAACTTGGACCTTGGCTTTCTTTTGTTTCAGTGACACAAATGAAGTTGATGTGCCC[TTGAATACCAGGG>T]TGGGCACCAAACGCTACATGGCTCCCGAAGTGCTGGACGAAAGCCTGAACAAAAACCACT-3'